The following is an entry in ClinVar:

NM_015559.3(SETBP1):c.1426C>A (p.Pro476Thr)

Gene: SETBP1 (SET binding protein 1; plus strand). Cytogenetic location: 18q12.3.
Variant type: single nucleotide variant.
Coding change: c.1426C>A on transcript NM_015559.3 (MANE Select); coding-DNA position 1426, C replaced by A.
Protein change: p.Pro476Thr; replaces proline 476 with threonine.
Molecular consequence: missense variant.
Genome position (GRCh38, 1-based): chr18:44,950,766, C>A. VCF-style: chr18-44950766-C-A. GRCh37 (hg19) VCF-style: chr18-42530731-C-A.
Other names: c.1426C>A, p.Pro476Thr (NM_001379141.1, NM_001379142.1, NM_001410862.1); short protein forms P476T.
Identifiers: ClinVar variation 2862722 (VCV002862722.3), dbSNP rs1179744279, ClinGen allele CA402318508.
Genomic context (GRCh38, chr18:44,950,766, plus strand): 5'-GAGGGGAATAAGAAGGATCCCCGTGTCCCTAAGTTGAGTAAAATGATAGAGAATGAGTCC[C>A]CCTCAGTTGGCCTTGAAACTGGTGGAAATGCTGAGAAAGTTATCCCAGGAGGTGTGTCTA-3'
Protein context (NP_056374.2, residues 466-486): KLSKMIENES[Pro476Thr]SVGLETGGNA

ClinVar aggregate classification (germline): Uncertain significance (1 of 4 stars; one submission).

Submission:

Labcorp Genetics (formerly Invitae), Labcorp
Classification: Uncertain significance. Last evaluated: 2023-05-27. Review status: criteria provided, single submitter. Criteria: Invitae Variant Classification Sherloc (09022015). Collection method: clinical testing. Allele origin: germline.
Comment: In summary, the available evidence is currently insufficient to determine the role of this variant in disease. Therefore, it has been classified as a Variant of Uncertain Significance. Advanced modeling of protein sequence and biophysical properties (such as structural, functional, and spatial information, amino acid conservation, physicochemical variation, residue mobility, and thermodynamic stability) performed at Invitae indicates that this missense variant is not expected to disrupt SETBP1 protein function. This variant has not been reported in the literature in individuals affected with SETBP1-related conditions. This variant is not present in population databases (gnomAD no frequency). This sequence change replaces proline, which is neutral and non-polar, with threonine, which is neutral and polar, at codon 476 of the SETBP1 protein (p.Pro476Thr).